The following is an entry in ClinVar:

ClinVar aggregate classification (germline): Conflicting classifications of pathogenicity. Review status: criteria provided, conflicting classifications (1 of 4 stars). 6 submissions from 6 submitters: Uncertain significance (4); Likely benign (1). 1 of the submissions does not count toward it. Last evaluated 2026-01-02.

Conditions:
Hereditary cancer-predisposing syndrome. Also called: Neoplastic Syndromes, Hereditary; Tumor predisposition; Hereditary neoplastic syndrome; Hereditary Cancer Syndrome. Identifiers: Orphanet 140162, MedGen C0027672, MeSH D009386, MONDO:0015356.
Hereditary breast ovarian cancer syndrome. Also called: Hereditary breast and ovarian cancer syndrome; Hereditary breast and ovarian cancer; Hereditary breast and ovarian cancer syndrome (HBOC); Breast and ovarian cancer; Hereditary breast and/or ovarian cancer syndrome; BRCA1- and BRCA2-Associated Hereditary Breast and Ovarian Cancer. Identifiers: Orphanet 145, MedGen C0677776, MeSH D061325, MONDO:0003582. Disease mechanism: loss of function.
Breast-ovarian cancer, familial, susceptibility to, 2 (BROVCA2). Also called: BRCA2 Hereditary Breast and Ovarian Cancer. Identifiers: Orphanet 145, MedGen C2675520, MONDO:0012933, OMIM 612555. Disease mechanism: loss of function.

Submissions (6):

Women's Health and Genetics/Laboratory Corporation of America, LabCorp
Classification: Uncertain significance. Last evaluated: 2026-01-02. Review status: criteria provided, single submitter. Criteria: LabCorp Variant Classification Summary - May 2015. Collection method: clinical testing. Allele origin: germline.
Comment: Variant summary: BRCA2 c.8663G>T (p.Arg2888Leu) results in a non-conservative amino acid change in the encoded protein sequence. Algorithms developed to predict the effect of missense changes on protein structure and function are either unavailable or do not agree on the potential impact of this missense change. The variant was absent in 251308 control chromosomes (gnomAD). The available data on variant occurrences in the general population are insufficient to allow any conclusion about variant significance. To our knowledge, no occurrence of c.8663G>T in individuals affected with BRCA2-related conditions has been reported. At least one publication reports experimental evidence evaluating an impact on protein function. These results showed no damaging effect of this variant (Biswas_2023). The following publication has been ascertained in the context of this evaluation (PMID: 37922907). ClinVar contains an entry for this variant (Variation ID: 52653). Based on the evidence outlined above, the variant was classified as uncertain significance.

Labcorp Genetics (formerly Invitae), Labcorp
Classification: Uncertain significance for Hereditary breast ovarian cancer syndrome. Last evaluated: 2025-07-20. Review status: criteria provided, single submitter. Criteria: Invitae Variant Classification Sherloc (09022015). Collection method: clinical testing. Allele origin: germline.
Comment: This sequence change replaces arginine, which is basic and polar, with leucine, which is neutral and non-polar, at codon 2888 of the BRCA2 protein (p.Arg2888Leu). This variant is not present in population databases (gnomAD no frequency). This missense change has been observed in individual(s) with clinical features of BRCA2-related conditions (PMID: 10923033). ClinVar contains an entry for this variant (Variation ID: 52653). Invitae Evidence Modeling of protein sequence and biophysical properties (such as structural, functional, and spatial information, amino acid conservation, physicochemical variation, residue mobility, and thermodynamic stability) indicates that this missense variant is not expected to disrupt BRCA2 protein function with a negative predictive value of 95%. In summary, the available evidence is currently insufficient to determine the role of this variant in disease. Therefore, it has been classified as a Variant of Uncertain Significance.

Ambry Genetics
Classification: Likely benign for Hereditary cancer-predisposing syndrome. Last evaluated: 2025-05-15. Review status: criteria provided, single submitter. Criteria: Ambry Variant Classification Scheme 2023. Collection method: clinical testing. Allele origin: germline.

Color Diagnostics, LLC DBA Color Health
Classification: Uncertain significance for Hereditary cancer-predisposing syndrome. Last evaluated: 2021-01-28. Review status: criteria provided, single submitter. Criteria: ACMG Guidelines, 2015. Collection method: clinical testing. Allele origin: germline.
Comment: This missense variant replaces arginine with leucine at codon 2888 of the BRCA2 protein. Computational prediction suggests that this variant may not impact protein structure and function (internally defined REVEL score threshold <= 0.5, PMID: 27666373). Splice site prediction tools suggest that this variant may not impact RNA splicing. To our knowledge, functional studies have not been performed for this variant. This variant has not been reported in individuals affected with hereditary cancer in the literature. This variant has not been identified in the general population by the Genome Aggregation Database (gnomAD). The available evidence is insufficient to determine the role of this variant in disease conclusively. Therefore, this variant is classified as a Variant of Uncertain Significance.

GeneDx
Classification: Uncertain significance. Last evaluated: 2017-05-18. Review status: criteria provided, single submitter. Criteria: GeneDx Variant Classification (06012015). Collection method: clinical testing. Allele origin: germline. Affected: yes.
Comment: This variant is denoted BRCA2 c.8663G>T at the cDNA level, p.Arg2888Leu (R2888L) at the protein level, and results in the change of an Arginine to a Leucine (CGT>CTT). Using alternate nomenclature, this variant would be defined as BRCA2 8891G>T. This variant has not, to our knowledge, been published in the literature as pathogenic or benign. BRCA2 Arg2888Leu was not observed in large population cohorts (NHLBI Exome Sequencing Project, The 1000 Genomes Consortium 2015, Lek 2016). Since Arginine and Leucine differ in polarity, charge, size or other properties, this is considered a non-conservative amino acid substitution. BRCA2 Arg2888Leu occurs at a position where amino acids with properties similar to Arginine are tolerated across species and is located in the DNA binding domain (Yang 2002). In silico analyses are inconsistent regarding the effect this variant may have on protein structure and function. Based on currently available evidence, it is unclear whether BRCA2 Arg2888Leu is a pathogenic or benign variant. We consider it to be a variant of uncertain significance.

Breast Cancer Information Core (BIC) (BRCA2)
Classification: Uncertain significance for Breast-ovarian cancer, familial 2. Review status: no assertion criteria provided. Collection method: clinical testing. Allele origin: germline. Affected: yes. Observed: 1 variant allele. Not counted in ClinVar's aggregate classification.

Literature cited by the submitters: PubMed 37922907 (cited by Women's Health and Genetics/Laboratory Corporation of America, LabCorp); PubMed 10923033 (cited by Labcorp Genetics (formerly Invitae), Labcorp).

NM_000059.4(BRCA2):c.8663G>T (p.Arg2888Leu)

Gene: BRCA2 (BRCA2 DNA repair associated; plus strand). Cytogenetic location: 13q13.1.
Variant type: single nucleotide variant.
Coding change: c.8663G>T on transcript NM_000059.4 (MANE Select); coding-DNA position 8663, G replaced by T.
Protein change: p.Arg2888Leu; replaces arginine 2888 with leucine.
Molecular consequence: missense variant.
Genome position (GRCh38, 1-based): chr13:32,376,700, G>T. VCF-style: chr13-32376700-G-T. GRCh37 (hg19) VCF-style: chr13-32950837-G-T.
Other names: short protein forms R2888L.
Identifiers: ClinVar variation 52653 (VCV000052653.16), dbSNP rs80359124, ClinGen allele CA025770.